The following is an entry in ClinVar:

NM_001457.4(FLNB):c.1345+2T>C

Gene: FLNB (filamin B; plus strand). Cytogenetic location: 3p14.3.
Variant type: single nucleotide variant.
Coding change: c.1345+2T>C on transcript NM_001457.4 (MANE Select); the canonical splice donor site of the intron after coding-DNA position 1345, T replaced by C.
Molecular consequence: splice donor variant.
Genome position (GRCh38, 1-based): chr3:58,098,910, T>C. VCF-style: chr3-58098910-T-C. GRCh37 (hg19) VCF-style: chr3-58084637-T-C.
Other names: c.1345+2T>C (NM_001164317.2, NM_001164318.2, NM_001164319.2).
Identifiers: ClinVar variation 4294441 (VCV004294441.1).

ClinVar aggregate classification (germline): Likely pathogenic (1 of 4 stars; one submission).

Conditions:
Spondylocarpotarsal synostosis syndrome (SCT). Also called: SPONDYLOCARPOTARSAL SYNDROME; VERTEBRAL FUSION WITH CARPAL COALITION; Synspondylism congenital; Scoliosis, congenital with unilateral unsegmented bar; Spondylocarpotarsal Synostosis Syndrome (FLNB-SCT). Identifiers: Orphanet 3275, MedGen C1848934, MONDO:0010094, OMIM 272460.

Submission:

Molecular Genetics Department, Kulakov National Medical Research Center for Obstetrics, Gynecology and Perinatology
Classification: Likely pathogenic for Spondylocarpotarsal synostosis syndrome. Review status: criteria provided, single submitter. Criteria: ACMG Guidelines, 2015. Collection method: clinical testing. Allele origin: germline. Affected: yes. Observed: 1 variant allele.
Comment: A previously undescribed heterozygous nucleotide variant creates an alteration of the canonical splice site c.1345+2T>C in the FLNB gene. Homozygous and compound heterozygous variants are reported in patients with spondylocarpotarsal synostosis syndrome, 272460. The variant is not present in population database (gnomAD no frequency). The variant was identified together with NM_001457.4:c.1592dup, but the phase (cis or trans) is unknown. In summary, the currently available evidence indicates that the variant is pathogenic, but additional data are needed to prove that conclusively. Therefore, this variant has been classified as likely pathogenic.